The following is an entry in ClinVar:

NM_001145358.2(SIN3A):c.602A>G (p.Asn201Ser)

Gene: SIN3A (SIN3 transcription regulator family member A; minus strand). Cytogenetic location: 15q24.2.
Variant type: single nucleotide variant.
Coding change: c.602A>G on transcript NM_001145358.2 (MANE Select); coding-DNA position 602, A replaced by G.
Protein change: p.Asn201Ser; replaces asparagine 201 with serine.
Molecular consequence: missense variant.
Genome position (GRCh38, 1-based): chr15:75,412,917, T>C on the plus strand (A>G on the coding strand, the complement: SIN3A is on the minus strand). VCF-style: chr15-75412917-T-C. GRCh37 (hg19) VCF-style: chr15-75705258-T-C.
Other names: c.602A>G, p.Asn201Ser (NM_001145357.2, NM_015477.3); short protein forms N201S.
Identifiers: ClinVar variation 3364422 (VCV003364422.1).

ClinVar aggregate classification (germline): Uncertain significance (1 of 4 stars; one submission).

Submission:

GeneDx
Classification: Uncertain significance. Last evaluated: 2023-11-18. Review status: criteria provided, single submitter. Criteria: GeneDx Variant Classification Process June 2021. Collection method: clinical testing. Allele origin: germline. Affected: yes.
Comment: Not observed at significant frequency in large population cohorts (gnomAD); In silico analysis supports a deleterious effect on splicing; In silico analysis supports that this missense variant does not alter protein structure/function; Has not been previously published as pathogenic or benign to our knowledge.